The following is an entry in ClinVar:

NM_000540.3(RYR1):c.14130-6C>T

Gene: RYR1 (ryanodine receptor 1; plus strand). Cytogenetic location: 19q13.2.
Variant type: single nucleotide variant.
Coding change: c.14130-6C>T on transcript NM_000540.3 (MANE Select); 6 bases into the intron before coding-DNA position 14130, C replaced by T.
Molecular consequence: intron variant.
Genome position (GRCh38, 1-based): chr19:38,575,913, C>T. VCF-style: chr19-38575913-C-T. GRCh37 (hg19) VCF-style: chr19-39066553-C-T.
Other names: c.14115-6C>T (NM_001042723.2).
Identifiers: ClinVar variation 3385615 (VCV003385615.1).

ClinVar aggregate classification (germline): Likely benign (1 of 4 stars; one submission).

Conditions:
Malignant hyperthermia, susceptibility to, 1 (MHS1). Also called: Anesthesia related hyperthermia; Malignant hyperpyrexia; Fulminating hyperpyrexia; Pharmacogenic myopathy; Malignant hyperthermia suceptibility 1; RYR1-Related Malignant Hyperthermia Susceptibility. Identifiers: Orphanet 423, MedGen C2930980, MONDO:0007783, OMIM 145600.

gnomAD v4.1: 2 of 1,614,008 alleles (0.00012%); highest among the groups gnomAD compares: African/African-American, 0.0013%; no homozygotes.

Submission:

All of Us Research Program, National Institutes of Health
Classification: Likely benign for Malignant hyperthermia, susceptibility to, 1. Last evaluated: 2024-03-14. Review status: criteria provided, single submitter. Criteria: ACMG Guidelines, 2015. Collection method: clinical testing. Allele origin: germline. Inheritance: Autosomal dominant inheritance. Observed: 1 variant allele, 1 heterozygote.
Comment: This study involves interpretation of variants in research participants for the purpose of population health screening. Participant phenotype was not available at the time of variant classification. Additional details can be found in publication PMID: 35346344, PMCID: PMC8962531